The following is an entry in ClinVar:

NM_000090.4(COL3A1):c.883G>C (p.Ala295Pro)

Gene: COL3A1 (collagen type III alpha 1 chain; plus strand). Cytogenetic location: 2q32.2.
Variant type: single nucleotide variant.
Coding change: c.883G>C on transcript NM_000090.4 (MANE Select); coding-DNA position 883, G replaced by C.
Protein change: p.Ala295Pro; replaces alanine 295 with proline.
Molecular consequence: missense variant.
Genome position (GRCh38, 1-based): chr2:188,991,517, G>C. VCF-style: chr2-188991517-G-C. GRCh37 (hg19) VCF-style: chr2-189856243-G-C.
Other names: short protein forms A295P.
Identifiers: ClinVar variation 4282061 (VCV004282061.2).

ClinVar aggregate classification (germline): Uncertain significance. Review status: criteria provided, multiple submitters, no conflicts (2 of 4 stars). 2 submissions from 2 submitters: Uncertain significance (2). Last evaluated 2025-11-12.

Conditions:
COL3A1-related disorder. Also called: COL3A1-related condition.

gnomAD v4.1: 4 of 1,611,578 alleles (0.00025%); highest among the groups gnomAD compares: Non-Finnish European, 0.00034%; no homozygotes.

Submissions (2):

PreventionGenetics, part of Exact Sciences
Classification: Uncertain significance for COL3A1-related condition. Last evaluated: 2025-11-12. Review status: criteria provided, single submitter. Criteria: ACMG Guidelines, 2015. Collection method: clinical testing. Allele origin: germline.
Comment: The COL3A1 c.883G>C variant is predicted to result in the amino acid substitution p.Ala295Pro. To our knowledge, this variant has not been reported in the literature or in a large population database (gnomAD), indicating this variant is rare. At this time, the clinical significance of this variant is uncertain due to the absence of conclusive functional and genetic evidence.

GeneDx
Classification: Uncertain significance. Last evaluated: 2025-04-15. Review status: criteria provided, single submitter. Criteria: GeneDx Variant Classification Process June 2021. Collection method: clinical testing. Allele origin: germline. Affected: yes.
Comment: Not observed at significant frequency in large population cohorts (gnomAD); In silico analysis indicates that this missense variant does not alter protein structure/function; Occurs in the triple helical domain at the X position in the canonical Gly-X-Y repeat; although this variant may have an effect on normal protein folding and function, missense substitution at the X position is not a common mechanism of disease (HGMD); Has not been previously published as pathogenic or benign to our knowledge